The following is an entry in ClinVar:

NM_000216.4(ANOS1):c.699C>T (p.Asp233=)

Gene: ANOS1 (anosmin 1; minus strand). Cytogenetic location: Xp22.31.
Variant type: single nucleotide variant.
Coding change: c.699C>T on transcript NM_000216.4 (MANE Select); coding-DNA position 699, C replaced by T.
Protein change: p.Asp233=; no amino-acid change (aspartic acid 233 retained).
Molecular consequence: synonymous variant.
Genome position (GRCh38, 1-based): chrX:8,587,821, G>A on the plus strand (C>T on the coding strand, the complement: ANOS1 is on the minus strand). VCF-style: chrX-8587821-G-A. GRCh37 (hg19) VCF-style: chrX-8555862-G-A.
Identifiers: ClinVar variation 2659947 (VCV002659947.24), dbSNP rs756360027, ClinGen allele CA10343767.
Genomic context (GRCh38, chrX:8,587,821, plus strand): 5'-GGATGAAAATCAAAGTCTATATGAGGTTCTTACCTGGGCCACTGTCTGCCAGTGAGTGGC[G>A]TCATCTTCGCTAGGATGGATTCCATAATTCCATCTTCTTTGTACCACATAGATCACAGGC-3'
Protein context (NP_000207.2, residues 223-243): WNYGIHPSED[Asp233=]ATHWQTVAQT

ClinVar aggregate classification (germline): Likely benign (1 of 4 stars; one submission).

Allele frequency attached by ClinVar (database versions not stated): TOPMed below 0.00001; ExAC 0.00004; gnomAD exomes 0.00004; gnomAD 0.00005.
gnomAD v4.1: 48 of 1,202,677 alleles (0.004%); highest among the groups gnomAD compares: South Asian, 0.056%; no homozygotes.

Submission:

CeGaT Center for Human Genetics Tuebingen
Classification: Likely benign. Last evaluated: 2023-03-01. Review status: criteria provided, single submitter. Criteria: CeGaT Center For Human Genetics Tuebingen Variant Classification Criteria Version 2. Collection method: clinical testing. Allele origin: germline. Affected: yes. Observed: 1 variant allele.
Comment: ANOS1: BP4, BP7, BS2